The following is an entry in ClinVar:

ClinVar aggregate classification (germline): Benign (1 of 4 stars; one submission).

Conditions:
Sick sinus syndrome 2, autosomal dominant (SSS2). Also called: ATRIAL FIBRILLATION WITH BRADYARRHYTHMIA; SINUS BRADYCARDIA SYNDROME, FAMILIAL, AUTOSOMAL DOMINANT; SINUS NODE DISEASE, FAMILIAL, AUTOSOMAL DOMINANT; SICK SINUS SYNDROME 2; SICK SINUS SYNDROME 2 WITH OR WITHOUT CARDIAC NONCOMPACTION AND/OR ASCENDING AORTA DILATION. Identifiers: Orphanet 166282, MedGen C1834144, MONDO:0008102, OMIM 163800.

Allele frequency attached by ClinVar (database versions not stated): gnomAD exomes 0.00680; 1000 Genomes Project 0.00799; 1000 Genomes Project 30x 0.00859; gnomAD 0.01274 and 0.01331; TOPMed 0.01290.
gnomAD v4.1: 2,009 of 152,570 alleles (1.3%); highest among the groups gnomAD compares: Middle Eastern, 2.3%; 25 homozygotes.

Submission:

Illumina Laboratory Services, Illumina
Classification: Benign for Sick sinus syndrome 2, autosomal dominant. Last evaluated: 2018-01-13. Review status: criteria provided, single submitter. Criteria: ICSL Variant Classification Criteria 13 December 2019. Collection method: clinical testing. Allele origin: germline.
Comment: This variant was observed in the ICSL laboratory as part of a predisposition screen in an ostensibly healthy population. It had not been previously curated by ICSL or reported in the Human Gene Mutation Database (HGMD: prior to June 1st, 2018), and was therefore a candidate for classification through an automated scoring system. Utilizing variant allele frequency, disease prevalence and penetrance estimates, and inheritance mode, an automated score was calculated to assess if this variant is too frequent to cause the disease. Based on the score and internal cut-off values, a variant classified as benign is not then subjected to further curation. The score for this variant resulted in a classification of benign for this disease.

NM_005477.3(HCN4):c.*2354A>G

Gene: HCN4 (hyperpolarization activated cyclic nucleotide gated potassium channel 4; minus strand). Cytogenetic location: 15q24.1.
Variant type: single nucleotide variant.
Coding change: c.*2354A>G on transcript NM_005477.3 (MANE Select); 2354 bases downstream of the stop codon, A replaced by G.
Molecular consequence: 3 prime UTR variant.
Genome position (GRCh38, 1-based): chr15:73,320,127, T>C on the plus strand (A>G on the coding strand, the complement: HCN4 is on the minus strand). VCF-style: chr15-73320127-T-C. GRCh37 (hg19) VCF-style: chr15-73612468-T-C.
Identifiers: ClinVar variation 885568 (VCV000885568.4), dbSNP rs11631286, ClinGen allele CA272661580.